The following is an entry in ClinVar:

NM_005257.6(GATA6):c.46G>A (p.Ala16Thr)

Gene: GATA6 (GATA binding protein 6; plus strand). Cytogenetic location: 18q11.2.
Variant type: single nucleotide variant.
Coding change: c.46G>A on transcript NM_005257.6 (MANE Select); coding-DNA position 46, G replaced by A.
Protein change: p.Ala16Thr; replaces alanine 16 with threonine.
Molecular consequence: missense variant.
Genome position (GRCh38, 1-based): chr18:22,171,190, G>A. VCF-style: chr18-22171190-G-A. GRCh37 (hg19) VCF-style: chr18-19751151-G-A.
Other names: short protein forms A16T.
Identifiers: ClinVar variation 4770240 (VCV004770240.1).

ClinVar aggregate classification (germline): Uncertain significance (1 of 4 stars; one submission).

Conditions:
Atrioventricular septal defect 5 (AVSD5). Identifiers: MedGen C3280939, MONDO:0013769, OMIM 614474.

gnomAD v4.1: 1 of 1,599,794 alleles (0.000063%); highest among the groups gnomAD compares: South Asian, 0.0011%; no homozygotes.

Submission:

Labcorp Genetics (formerly Invitae), Labcorp
Classification: Uncertain significance for Atrioventricular septal defect 5. Last evaluated: 2025-08-03. Review status: criteria provided, single submitter. Criteria: Invitae Variant Classification Sherloc (09022015). Collection method: clinical testing. Allele origin: germline.
Comment: This sequence change replaces alanine, which is neutral and non-polar, with threonine, which is neutral and polar, at codon 16 of the GATA6 protein (p.Ala16Thr). This variant is not present in population databases (gnomAD no frequency). This variant has not been reported in the literature in individuals affected with GATA6-related conditions. An algorithm developed to predict the effect of missense changes on protein structure and function (PolyPhen-2) suggests that this variant is likely to be disruptive. In summary, the available evidence is currently insufficient to determine the role of this variant in disease. Therefore, it has been classified as a Variant of Uncertain Significance.